The following is an entry in ClinVar:

NM_004360.5(CDH1):c.656del (p.Pro219fs)

Gene: CDH1 (cadherin 1; plus strand). Cytogenetic location: 16q22.1.
Variant type: Deletion.
Coding change: c.656del on transcript NM_004360.5 (MANE Select); coding-DNA position 656, one base deleted (C; older notation c.656delC).
Protein change: p.Pro219fs; shifts the reading frame from proline 219.
Molecular consequence: frameshift variant. On other transcripts: 5 prime UTR variant (2).
Genome position (GRCh38, 1-based): chr16:68,808,817, C deleted; the last of 2 consecutive C bases (chr16:68,808,816-68,808,817); deleting either gives the same sequence. VCF-style (leftmost placement, unchanged base first): chr16-68808815-GC-G. GRCh37 (hg19) VCF-style: chr16-68842718-GC-G.
Other names: c.656del (LRG_301t1); c.656del, p.Pro219fs (NM_001317184.2); c.-960del (NM_001317185.2); c.-1164del (NM_001317186.2); c.656delC (NM_004360.3); short protein forms P219fs.
Identifiers: ClinVar variation 488647 (VCV000488647.25), dbSNP rs1555515284, ClinGen allele CA658683948.

ClinVar aggregate classification (germline): Pathogenic. Review status: reviewed by expert panel (3 of 4 stars). 7 submissions from 7 submitters: Pathogenic (1). 6 of the submissions do not count toward it. Last evaluated 2023-08-25.

Conditions:
CDH1-related diffuse gastric and lobular breast cancer syndrome. Also called: CDH1-related diffuse gastric and lobular breast cancer. Identifiers: MedGen CN311521, MONDO:0100488.
Hereditary diffuse gastric adenocarcinoma (HDGC). Also called: DIFFUSE GASTRIC AND LOBULAR BREAST CANCER SYNDROME. Identifiers: Orphanet 26106, MedGen C1708349, MONDO:0007648, OMIM 137215.

Submissions (7):

Clingen Gastric Cancer Variant Curation Expert Panel
Classification: Pathogenic for CDH1-related diffuse gastric and lobular breast cancer syndrome. Last evaluated: 2023-08-25. Review status: reviewed by expert panel. Criteria: ClinGen CDH1 ACMG Specifications V3.1. Collection method: curation. Allele origin: germline. Inheritance: Autosomal dominant inheritance.
Comment: The c.656del p.(Pro219fs) variant is predicted to result in a premature stop codon that leads to a truncated or absent protein (PVS1, PM5_Supporting). The variant is absent in the gnomAD cohort (PM2_Supporting). This variant has been reported in at least one family meeting HDGC clinical criteria (PS4_Supporting; SCV000760825.3). Therefore, this variant meets criteria to be classified as pathogenic based on the ACMG/AMP criteria applied as specified by the CDH1 Variant Curation Expert Panel (Variant Interpretation Guidelines Version 3.1): PVS1, PM2_Supporting, PS4_Supporting, PM5_Supporting.

Labcorp Genetics (formerly Invitae), Labcorp
Classification: Pathogenic for Hereditary diffuse gastric adenocarcinoma. Last evaluated: 2024-06-23. Review status: criteria provided, single submitter. Criteria: Invitae Variant Classification Sherloc (09022015). Collection method: clinical testing. Allele origin: germline. Not counted in ClinVar's aggregate classification.
Comment: This sequence change creates a premature translational stop signal (p.Pro219Leufs*31) in the CDH1 gene. It is expected to result in an absent or disrupted protein product. Loss-of-function variants in CDH1 are known to be pathogenic (PMID: 15235021, 20373070). This variant is not present in population databases (gnomAD no frequency). This variant has not been reported in the literature in individuals affected with CDH1-related conditions. ClinVar contains an entry for this variant (Variation ID: 488647). For these reasons, this variant has been classified as Pathogenic.

GeneDx
Classification: Likely pathogenic. Last evaluated: 2023-08-09. Review status: criteria provided, single submitter. Criteria: GeneDx Variant Classification Process June 2021. Collection method: clinical testing. Allele origin: germline. Affected: yes. Not counted in ClinVar's aggregate classification.
Comment: Frameshift variant predicted to result in protein truncation or nonsense mediated decay in a gene for which loss of function is a known mechanism of disease; Not observed at significant frequency in large population cohorts (gnomAD); Identified in a patient with personal and family history of gastric cancer in the literature (Adib et al., 2022); This variant is associated with the following publications: (PMID: 34949788)

Myriad Genetics, Inc.
Classification: Pathogenic for Hereditary diffuse gastric adenocarcinoma. Last evaluated: 2023-06-09. Review status: criteria provided, single submitter. Criteria: Myriad Autosomal Dominant, Autosomal Recessive and X-Linked Classification Criteria (2023). Collection method: clinical testing. Allele origin: unknown. Not counted in ClinVar's aggregate classification.
Comment: This variant is considered pathogenic. This variant creates a frameshift predicted to result in premature protein truncation.

ARUP Laboratories, Molecular Genetics and Genomics, ARUP Laboratories
Classification: Pathogenic. Last evaluated: 2019-01-14. Review status: criteria provided, single submitter. Criteria: ARUP Molecular Germline Variant Investigation Process. Collection method: clinical testing. Allele origin: germline. Not counted in ClinVar's aggregate classification.
Comment: The CDH1 c.656delC; p.Pro219fs variant, to our knowledge, is not reported in the medical literature but is reported as likely pathogenic/pathogenic in ClinVar (Variation ID: 488647). This variant is absent from general population databases (1000 Genomes Project, Exome Variant Server, and Genome Aggregation Database), indicating it is not a common polymorphism. This variant causes a frameshift by deleting a single nucleotide, so it is predicted to result in a truncated protein or mRNA subject to nonsense-mediated decay. Loss-of-function CDH1 variants are considered to be pathogenic (Brooks-Wilson 2004, Guilford 1999). Based on available information, the c.656delC variant is considered to be pathogenic. REFERENCES Brooks-Wilson AR et al. Germline E-cadherin mutations in hereditary diffuse gastric cancer: assessment of 42 new families and review of genetic screening criteria. J Med Genet. 2004 Jul;41(7):508-17. Guilford PJ et al. E-cadherin germline mutations define an inherited cancer syndrome dominated by diffuse gastric cancer. Hum Mutat. 1999;14(3):249-55.

Quest Diagnostics Nichols Institute San Juan Capistrano
Classification: Likely pathogenic. Last evaluated: 2018-03-01. Review status: criteria provided, single submitter. Criteria: Quest Diagnostics criteria. Collection method: clinical testing. Allele origin: germline. Not counted in ClinVar's aggregate classification.

GeneID Lab - Advanced Molecular Diagnostics
Classification: Likely pathogenic for Hereditary diffuse gastric cancer. Last evaluated: 2017-09-07. Review status: criteria provided, single submitter. Criteria: ACMG Guidelines, 2015. Collection method: clinical testing. Allele origin: germline. Affected: yes. Observed: 1 variant allele. Not counted in ClinVar's aggregate classification.

Literature cited by the submitters: PubMed 15235021 (cited by Labcorp Genetics (formerly Invitae), Labcorp); PubMed 20373070 (cited by Labcorp Genetics (formerly Invitae), Labcorp).